The following is an entry in ClinVar:

ClinVar aggregate classification (germline): Uncertain significance (1 of 4 stars; one submission).

Conditions:
Primary ciliary dyskinesia. Also called: Ciliary dyskinesia. Identifiers: Orphanet 244, MedGen C0008780, MONDO:0016575, HP:0012265.

Allele frequency attached by ClinVar (database versions not stated): gnomAD exomes below 0.00001.
gnomAD v4.1: 3 of 1,613,832 alleles (0.00019%); highest among the groups gnomAD compares: Non-Finnish European, 0.00025%; no homozygotes.

Submission:

Labcorp Genetics (formerly Invitae), Labcorp
Classification: Uncertain significance for Primary ciliary dyskinesia. Last evaluated: 2018-04-25. Review status: criteria provided, single submitter. Criteria: Invitae Variant Classification Sherloc (09022015). Collection method: clinical testing. Allele origin: germline.
Comment: This sequence change replaces threonine with isoleucine at codon 1639 of the DNAH8 protein (p.Thr1639Ile). The threonine residue is moderately conserved and there is a moderate physicochemical difference between threonine and isoleucine. In summary, the available evidence is currently insufficient to determine the role of this variant in disease. Therefore, it has been classified as a Variant of Uncertain Significance. Algorithms developed to predict the effect of missense changes on protein structure and function do not agree on the potential impact of this missense change (SIFT: "Deleterious"; Align-GVGD: "Class C0"). This variant has not been reported in the literature in individuals with DNAH8-related disease. This variant is not present in population databases (ExAC no frequency).

NM_001206927.2(DNAH8):c.4916C>T (p.Thr1639Ile)

Gene: DNAH8 (dynein axonemal heavy chain 8; plus strand). Cytogenetic location: 6p21.2.
Variant type: single nucleotide variant.
Coding change: c.4916C>T on transcript NM_001206927.2 (MANE Select); coding-DNA position 4916, C replaced by T.
Protein change: p.Thr1639Ile; replaces threonine 1639 with isoleucine.
Molecular consequence: missense variant.
Genome position (GRCh38, 1-based): chr6:38,845,644, C>T. VCF-style: chr6-38845644-C-T. GRCh37 (hg19) VCF-style: chr6-38813420-C-T.
Other names: c.4265C>T, p.Thr1422Ile (NM_001371.4); short protein forms T1639I, T1422I.
Identifiers: ClinVar variation 569566 (VCV000569566.9), dbSNP rs1209612162, ClinGen allele CA364006692.